The following is an entry in ClinVar:

NM_016356.5(DCDC2):c.426-1G>A

Gene: DCDC2 (doublecortin domain containing 2; minus strand). Cytogenetic location: 6p22.3.
Variant type: single nucleotide variant.
Coding change: c.426-1G>A on transcript NM_016356.5 (MANE Select); the canonical splice acceptor site of the intron before coding-DNA position 426, G replaced by A.
Molecular consequence: splice acceptor variant.
Genome position (GRCh38, 1-based): chr6:24,301,847, C>T on the plus strand (G>A on the coding strand, the complement: DCDC2 is on the minus strand). VCF-style: chr6-24301847-C-T. GRCh37 (hg19) VCF-style: chr6-24302075-C-T.
Other names: c.426-1G>A (NM_001195610.2).
Identifiers: ClinVar variation 4997334 (VCV004997334.1).

ClinVar aggregate classification (germline): Likely pathogenic (1 of 4 stars; one submission).

Conditions:
DCDC2-related disorder. Also called: DCDC2-related condition.

Submission:

PreventionGenetics, part of Exact Sciences
Classification: Likely pathogenic for DCDC2-related condition. Last evaluated: 2025-06-25. Review status: criteria provided, single submitter. Criteria: ACMG Guidelines, 2015. Collection method: clinical testing. Allele origin: germline.
Comment: The DCDC2 c.426-1G>A variant is predicted to disrupt the AG splice acceptor site and interfere with normal splicing. To our knowledge, this variant has not been reported in the literature or in a large population database (gnomAD), indicating this variant is rare. Variants that disrupt the consensus splice acceptor site in DCDC2 are expected to be pathogenic. This variant is interpreted as likely pathogenic.